The following is an entry in ClinVar:

ClinVar aggregate classification (germline): Uncertain significance (1 of 4 stars; one submission).

Allele frequency attached by ClinVar (database versions not stated): TOPMed below 0.00001.
gnomAD v4.1: 3 of 1,605,104 alleles (0.00019%); highest among the groups gnomAD compares: Admixed American, 0.0034%; no homozygotes.

Submission:

Labcorp Genetics (formerly Invitae), Labcorp
Classification: Uncertain significance. Last evaluated: 2022-11-23. Review status: criteria provided, single submitter. Criteria: Invitae Variant Classification Sherloc (09022015). Collection method: clinical testing. Allele origin: germline.
Comment: In summary, the available evidence is currently insufficient to determine the role of this variant in disease. Therefore, it has been classified as a Variant of Uncertain Significance. Variants that disrupt the consensus splice site are a relatively common cause of aberrant splicing (PMID: 17576681, 9536098). Algorithms developed to predict the effect of sequence changes on RNA splicing suggest that this variant is not likely to affect RNA splicing. This variant has not been reported in the literature in individuals affected with DVL1-related conditions. This variant is present in population databases (no rsID available, gnomAD 0.006%). This sequence change falls in intron 13 of the DVL1 gene. It does not directly change the encoded amino acid sequence of the DVL1 protein. It affects a nucleotide within the consensus splice site.

Literature cited by the submitters: PubMed 17576681; PubMed 9536098.

NM_001330311.2(DVL1):c.1507+3G>C

Gene: DVL1 (dishevelled segment polarity protein 1; minus strand). Cytogenetic location: 1p36.33.
Variant type: single nucleotide variant.
Coding change: c.1507+3G>C on transcript NM_001330311.2 (MANE Select); 3 bases into the intron after coding-DNA position 1507, G replaced by C.
Molecular consequence: intron variant.
Genome position (GRCh38, 1-based): chr1:1,338,266, C>G on the plus strand (G>C on the coding strand, the complement: DVL1 is on the minus strand). VCF-style: chr1-1338266-C-G. GRCh37 (hg19) VCF-style: chr1-1273646-C-G.
Other names: c.1432+3G>C (NM_004421.3).
Identifiers: ClinVar variation 2881075 (VCV002881075.3), dbSNP rs1239370210, ClinGen allele CA521008413.